The following is an entry in ClinVar:

ClinVar aggregate classification (germline): Uncertain significance (1 of 4 stars; one submission).

gnomAD v4.1: 2 of 1,612,228 alleles (0.00012%); highest among the groups gnomAD compares: Non-Finnish European, 0.00017%; no homozygotes.

Submission:

GeneDx
Classification: Uncertain significance. Last evaluated: 2025-06-20. Review status: criteria provided, single submitter. Criteria: GeneDx Variant Classification Process June 2021. Collection method: clinical testing. Allele origin: germline. Affected: yes.
Comment: Not observed at significant frequency in large population cohorts (gnomAD); In silico analysis suggests that this missense variant does not alter protein structure/function; Has not been previously published as pathogenic or benign to our knowledge

NM_001330288.2(SMARCC2):c.461G>A (p.Gly154Glu)

Gene: SMARCC2 (SWI/SNF related BAF chromatin remodeling complex subunit C2; minus strand). Cytogenetic location: 12q13.2.
Variant type: single nucleotide variant.
Coding change: c.461G>A on transcript NM_001330288.2 (MANE Select); coding-DNA position 461, G replaced by A.
Protein change: p.Gly154Glu; replaces glycine 154 with glutamic acid.
Molecular consequence: missense variant.
Genome position (GRCh38, 1-based): chr12:56,184,875, C>T on the plus strand (G>A on the coding strand, the complement: SMARCC2 is on the minus strand). VCF-style: chr12-56184875-C-T. GRCh37 (hg19) VCF-style: chr12-56578659-C-T.
Other names: c.461G>A, p.Gly154Glu (NM_001130420.3, NM_003075.5, NM_139067.4); short protein forms G154E.
Identifiers: ClinVar variation 4538826 (VCV004538826.1).